The following is an entry in ClinVar:

NM_002691.4(POLD1):c.1483_1488del (p.Thr495_Asp496del)

Gene: POLD1 (DNA polymerase delta 1, catalytic subunit; plus strand). Cytogenetic location: 19q13.33.
Variant type: Deletion.
Coding change: c.1483_1488del on transcript NM_002691.4 (MANE Select); coding-DNA positions 1483 to 1488, 6 bases deleted (ACCGAC; older notation c.1483_1488delACCGAC).
Protein change: p.Thr495_Asp496del.
Molecular consequence: inframe deletion. On other transcripts: non-coding transcript variant (1).
Genome position (GRCh38, 1-based): chr19:50,406,506-50,406,511, ACCGAC deleted; deleting any 6 consecutive bases within chr19:50,406,505-50,406,511 gives the same sequence; the c. name uses the placement nearest the transcript's 3' end. VCF-style (leftmost placement, unchanged base first): chr19-50406504-TCACCGA-T. GRCh37 (hg19) VCF-style: chr19-50909761-TCACCGA-T.
Other names: c.1483_1488del, p.Thr495_Asp496del (NM_001256849.1, NM_001308632.1).
Identifiers: ClinVar variation 484429 (VCV000484429.7), dbSNP rs1555791217, ClinGen allele CA658658838.

ClinVar aggregate classification (germline): Uncertain significance (1 of 4 stars; one submission).

Conditions:
Hereditary cancer-predisposing syndrome. Also called: Neoplastic Syndromes, Hereditary; Tumor predisposition; Hereditary Cancer Syndrome; Hereditary neoplastic syndrome. Identifiers: Orphanet 140162, MedGen C0027672, MeSH D009386, MONDO:0015356.

Submission:

Ambry Genetics
Classification: Uncertain significance for Hereditary cancer-predisposing syndrome. Last evaluated: 2025-08-05. Review status: criteria provided, single submitter. Criteria: Ambry Variant Classification Scheme 2023. Collection method: clinical testing. Allele origin: germline.
Comment: The c.1483_1488delACCGAC variant (also known as p.T495_D496del) is located in coding exon 11 of the POLD1 gene. This variant results from an in-frame deletion of 6 nucleotides at positions 1483 to 1488. This results in the deletion of 2 amino acids between codons 495 and 496. This amino acid region is highly conserved in available vertebrate species. In addition, this alteration is predicted to be deleterious by in silico analysis (Choi Y et al., PLoS ONE 2012; 7(10):e46688). Based on the available evidence, the clinical significance of this variant remains unclear.